The following is an entry in ClinVar:

NM_001385079.1(PDE10A):c.2435C>A (p.Thr812Lys)

Gene: PDE10A (phosphodiesterase 10A; minus strand). Cytogenetic location: 6q27.
Variant type: single nucleotide variant.
Coding change: c.2435C>A on transcript NM_001385079.1 (MANE Select); coding-DNA position 2435, C replaced by A.
Protein change: p.Thr812Lys; replaces threonine 812 with lysine.
Molecular consequence: missense variant.
Genome position (GRCh38, 1-based): chr6:165,392,665, G>T on the plus strand (C>A on the coding strand, the complement: PDE10A is on the minus strand). VCF-style: chr6-165392665-G-T. GRCh37 (hg19) VCF-style: chr6-165806154-G-T.
Other names: c.1637C>A (NM_001130690.1); c.1637C>A, p.Thr546Lys (NM_001130690.3); c.1607C>A, p.Thr536Lys (NM_006661.4); short protein forms T546K, T812K, T536K.
Identifiers: ClinVar variation 1467017 (VCV001467017.7), dbSNP rs770162342, ClinGen allele CA4092123.
Genomic context (GRCh38, chr6:165,392,665, plus strand): 5'-ACTGAGGTTACGAGAAACAGAGGTAAAGAGTGCACACCCACCTCAAGGTCTGTGAAAAGC[G>T]TGTGATTGTTCTGAAGTATGGCATACATGCAGTGTGCTACAGTGACCGCATGCTTCCAGT-3'
Protein context (NP_001372008.1, residues 802-822): CMYAILQNNH[Thr812Lys]LFTDLERKGL

ClinVar aggregate classification (germline): Uncertain significance. Review status: criteria provided, multiple submitters, no conflicts (2 of 4 stars). 2 submissions from 2 submitters: Uncertain significance (2). Last evaluated 2022-09-28.

Conditions:
Inborn genetic diseases. Identifiers: MedGen C0950123, MeSH D030342.

gnomAD v4.1: 199 of 1,613,830 alleles (0.012%); highest among the groups gnomAD compares: Non-Finnish European, 0.017%; no homozygotes.

Submissions (2):

Ambry Genetics
Classification: Uncertain significance for Inborn genetic diseases. Last evaluated: 2022-09-28. Review status: criteria provided, single submitter. Criteria: Ambry Variant Classification Scheme 2023. Collection method: clinical testing. Allele origin: germline.

Labcorp Genetics (formerly Invitae), Labcorp
Classification: Uncertain significance. Last evaluated: 2022-04-20. Review status: criteria provided, single submitter. Criteria: Invitae Variant Classification Sherloc (09022015). Collection method: clinical testing. Allele origin: germline.
Comment: This variant has not been reported in the literature in individuals affected with PDE10A-related conditions. This variant is present in population databases (rs770162342, gnomAD 0.005%). This sequence change replaces threonine, which is neutral and polar, with lysine, which is basic and polar, at codon 546 of the PDE10A protein (p.Thr546Lys). In summary, the available evidence is currently insufficient to determine the role of this variant in disease. Therefore, it has been classified as a Variant of Uncertain Significance. Algorithms developed to predict the effect of missense changes on protein structure and function (SIFT, PolyPhen-2, Align-GVGD) all suggest that this variant is likely to be tolerated.